The following is an entry in ClinVar:

ClinVar aggregate classification (germline): Uncertain significance. Review status: criteria provided, multiple submitters, no conflicts (2 of 4 stars). 2 submissions from 2 submitters: Uncertain significance (2). Last evaluated 2025-11-09.

Allele frequency attached by ClinVar (database versions not stated): ESP Exome Variant Server 0.00008.
gnomAD v4.1: 47 of 1,613,924 alleles (0.0029%); highest among the groups gnomAD compares: South Asian, 0.0033%; no homozygotes.

Submissions (2):

Labcorp Genetics (formerly Invitae), Labcorp
Classification: Uncertain significance. Last evaluated: 2025-11-09. Review status: criteria provided, single submitter. Criteria: Invitae Variant Classification Sherloc (09022015). Collection method: clinical testing. Allele origin: germline.
Comment: This sequence change replaces histidine, which is basic and polar, with aspartic acid, which is acidic and polar, at codon 1015 of the FUK protein (p.His1015Asp). This variant is present in population databases (rs191210378, gnomAD 0.01%). This variant has not been reported in the literature in individuals affected with FUK-related conditions. ClinVar contains an entry for this variant (Variation ID: 1983049). An algorithm developed to predict the effect of missense changes on protein structure and function (PolyPhen-2) suggests that this variant is likely to be tolerated. In summary, the available evidence is currently insufficient to determine the role of this variant in disease. Therefore, it has been classified as a Variant of Uncertain Significance.

Ambry Genetics
Classification: Uncertain significance. Last evaluated: 2023-05-17. Review status: criteria provided, single submitter. Criteria: Ambry Variant Classification Scheme 2023. Collection method: clinical testing. Allele origin: germline.

NM_145059.3(FCSK):c.3043C>G (p.His1015Asp)

Gene: FCSK (fucose kinase; plus strand). Cytogenetic location: 16q22.1.
Variant type: single nucleotide variant.
Coding change: c.3043C>G on transcript NM_145059.3 (MANE Select); coding-DNA position 3043, C replaced by G.
Protein change: p.His1015Asp; replaces histidine 1015 with aspartic acid.
Molecular consequence: missense variant.
Genome position (GRCh38, 1-based): chr16:70,479,293, C>G. VCF-style: chr16-70479293-C-G. GRCh37 (hg19) VCF-style: chr16-70513196-C-G.
Other names: c.3043C>G (NM_145059.2); short protein forms H1015D.
Identifiers: ClinVar variation 1983049 (VCV001983049.6), dbSNP rs191210378, ClinGen allele CA8143859.